The following is an entry in ClinVar:

NM_001122752.2(SERPINI1):c.107G>A (p.Arg36His)

Gene: SERPINI1 (serpin family I member 1; plus strand). Cytogenetic location: 3q26.1.
Variant type: single nucleotide variant.
Coding change: c.107G>A on transcript NM_001122752.2 (MANE Select); coding-DNA position 107, G replaced by A.
Protein change: p.Arg36His; replaces arginine 36 with histidine.
Molecular consequence: missense variant.
Genome position (GRCh38, 1-based): chr3:167,789,235, G>A. VCF-style: chr3-167789235-G-A. GRCh37 (hg19) VCF-style: chr3-167507023-G-A.
Other names: c.107G>A, p.Arg36His (NM_005025.5); c.107G>A (NM_005025.4); short protein forms R36H.
Identifiers: ClinVar variation 1047456 (VCV001047456.11), dbSNP rs780236670, ClinGen allele CA2694734.

ClinVar aggregate classification (germline): Conflicting classifications of pathogenicity. Review status: criteria provided, conflicting classifications (1 of 4 stars). 4 submissions from 4 submitters: Uncertain significance (1); Likely benign (3). Last evaluated 2025-08-21.

Conditions:
Inborn genetic diseases. Identifiers: MedGen C0950123, MeSH D030342.
Familial encephalopathy with neuroserpin inclusion bodies. Also called: ENCEPHALOPATHY, FAMILIAL, WITH COLLINS BODIES. Identifiers: Orphanet 85110, MedGen C1858680, MONDO:0011412, OMIM 604218.

Allele frequency attached by ClinVar (database versions not stated): gnomAD 0.00001; gnomAD exomes 0.00002 and 0.00004; TOPMed 0.00002; ExAC 0.00004.
gnomAD v4.1: 36 of 1,613,948 alleles (0.0022%); highest among the groups gnomAD compares: East Asian, 0.0067%; no homozygotes.

Submissions (4):

Labcorp Genetics (formerly Invitae), Labcorp
Classification: Uncertain significance for Familial encephalopathy with neuroserpin inclusion bodies. Last evaluated: 2025-08-21. Review status: criteria provided, single submitter. Criteria: Invitae Variant Classification Sherloc (09022015). Collection method: clinical testing. Allele origin: germline.
Comment: This sequence change replaces arginine, which is basic and polar, with histidine, which is basic and polar, at codon 36 of the SERPINI1 protein (p.Arg36His). This variant is present in population databases (rs780236670, gnomAD 0.01%). This variant has not been reported in the literature in individuals affected with SERPINI1-related conditions. ClinVar contains an entry for this variant (Variation ID: 1047456). Invitae Evidence Modeling of protein sequence and biophysical properties (such as structural, functional, and spatial information, amino acid conservation, physicochemical variation, residue mobility, and thermodynamic stability) indicates that this missense variant is not expected to disrupt SERPINI1 protein function with a negative predictive value of 80%. In summary, the available evidence is currently insufficient to determine the role of this variant in disease. Therefore, it has been classified as a Variant of Uncertain Significance.

Athena Diagnostics
Classification: Likely benign. Last evaluated: 2024-10-11. Review status: criteria provided, single submitter. Criteria: Athena Diagnostics Criteria. Collection method: clinical testing. Allele origin: unknown.

Ambry Genetics
Classification: Likely benign for Inborn genetic diseases. Last evaluated: 2024-08-05. Review status: criteria provided, single submitter. Criteria: Ambry Variant Classification Scheme 2023. Collection method: clinical testing. Allele origin: germline.

Blueprint Genetics
Classification: Likely benign. Last evaluated: 2024-02-19. Review status: criteria provided, single submitter. Criteria: ACMG Guidelines, 2015. Collection method: clinical testing. Allele origin: germline.